The following is an entry in ClinVar:

ClinVar aggregate classification (germline): Pathogenic (1 of 4 stars; one submission).

Conditions:
Neurofibromatosis, type 1 (NF1). Also called: NEUROFIBROMATOSIS, TYPE I, SOMATIC; Neurofibromatosis, type I; VON RECKLINGHAUSEN DISEASE; Peripheral type neurofibromatosis. Identifiers: Orphanet 636, MedGen C0027831, MONDO:0018975, OMIM 162200. Disease mechanism: loss of function.

Submission:

Labcorp Genetics (formerly Invitae), Labcorp
Classification: Pathogenic for Neurofibromatosis, type 1. Last evaluated: 2025-11-14. Review status: criteria provided, single submitter. Criteria: Invitae Variant Classification Sherloc (09022015). Collection method: clinical testing. Allele origin: germline.
Comment: This sequence change creates a premature translational stop signal (p.Lys498*) in the NF1 gene. It is expected to result in an absent or disrupted protein product. Loss-of-function variants in NF1 are known to be pathogenic (PMID: 10712197, 23913538). This variant is not present in population databases (gnomAD no frequency). This variant has not been reported in the literature in individuals affected with NF1-related conditions. For these reasons, this variant has been classified as Pathogenic.

Literature cited by the submitters: PubMed 10712197; PubMed 23913538.

NM_001042492.3(NF1):c.1492A>T (p.Lys498Ter)

Gene: NF1 (neurofibromin 1; plus strand). Cytogenetic location: 17q11.2.
Variant type: single nucleotide variant.
Coding change: c.1492A>T on transcript NM_001042492.3 (MANE Select); coding-DNA position 1492, A replaced by T.
Protein change: p.Lys498Ter; replaces lysine 498 with a stop codon.
Molecular consequence: nonsense.
Genome position (GRCh38, 1-based): chr17:31,214,550, A>T. VCF-style: chr17-31214550-A-T. GRCh37 (hg19) VCF-style: chr17-29541568-A-T.
Other names: c.1492A>T, p.Lys498Ter (NM_000267.4, NM_001128147.3); short protein forms K498*.
Identifiers: ClinVar variation 4744082 (VCV004744082.1).